The following is an entry in ClinVar:

NM_001130438.3(SPTAN1):c.969G>C (p.Gln323His)

Gene: SPTAN1 (spectrin alpha, non-erythrocytic 1; plus strand). Cytogenetic location: 9q34.11.
Variant type: single nucleotide variant.
Coding change: c.969G>C on transcript NM_001130438.3 (MANE Select); coding-DNA position 969, G replaced by C.
Protein change: p.Gln323His; replaces glutamine 323 with histidine.
Molecular consequence: missense variant.
Genome position (GRCh38, 1-based): chr9:128,577,390, G>C. VCF-style: chr9-128577390-G-C. GRCh37 (hg19) VCF-style: chr9-131339669-G-C.
Other names: c.969G>C (NM_001130438.2); c.969G>C, p.Gln323His (NM_001195532.2, NM_001363759.2, NM_001363765.2 and 5 more transcripts); c.1005G>C, p.Gln335His (NM_001375312.2, NM_001375318.1); short protein forms Q335H, Q323H.
Identifiers: ClinVar variation 1491080 (VCV001491080.10), dbSNP rs2131014686, ClinGen allele CA375049332.

ClinVar aggregate classification (germline): Uncertain significance. Review status: criteria provided, single submitter (1 of 4 stars). 2 submissions from 2 submitters: Uncertain significance (1). 1 of the submissions does not count toward it. Last evaluated 2022-11-22.

Conditions:
Early-infantile DEE. Also called: Ohtahara syndrome; Early infantile epileptic encephalopathy; Early infantile epileptic encephalopathy with suppression bursts. Identifiers: Orphanet 1934, MedGen C0393706, MONDO:0800491.
SPTAN1-related disorder. Also called: SPTAN1-related condition; SPTAN1-related disorders.

Submissions (2):

Labcorp Genetics (formerly Invitae), Labcorp
Classification: Uncertain significance for Early-infantile DEE. Last evaluated: 2022-11-22. Review status: criteria provided, single submitter. Criteria: Invitae Variant Classification Sherloc (09022015). Collection method: clinical testing. Allele origin: germline.
Comment: In summary, the available evidence is currently insufficient to determine the role of this variant in disease. Therefore, it has been classified as a Variant of Uncertain Significance. Advanced modeling of protein sequence and biophysical properties (such as structural, functional, and spatial information, amino acid conservation, physicochemical variation, residue mobility, and thermodynamic stability) has been performed at Invitae for this missense variant, however the output from this modeling did not meet the statistical confidence thresholds required to predict the impact of this variant on SPTAN1 protein function. ClinVar contains an entry for this variant (Variation ID: 1491080). This variant has not been reported in the literature in individuals affected with SPTAN1-related conditions. This variant is not present in population databases (gnomAD no frequency). This sequence change replaces glutamine, which is neutral and polar, with histidine, which is basic and polar, at codon 323 of the SPTAN1 protein (p.Gln323His).

PreventionGenetics, part of Exact Sciences
Classification: Uncertain significance for SPTAN1-related condition. Last evaluated: 2024-07-11. Review status: no assertion criteria provided. Collection method: clinical testing. Allele origin: germline. Not counted in ClinVar's aggregate classification.
Comment: The SPTAN1 c.969G>C variant is predicted to result in the amino acid substitution p.Gln323His. To our knowledge, this variant has not been reported in the literature or in gnomAD, indicating this variant is rare. At this time, the clinical significance of this variant is uncertain due to the absence of conclusive functional and genetic evidence.